The following is an entry in ClinVar:

ClinVar aggregate classification (germline): Uncertain significance (1 of 4 stars; one submission).

Submission:

Women's Health and Genetics/Laboratory Corporation of America, LabCorp
Classification: Uncertain significance. Last evaluated: 2025-10-07. Review status: criteria provided, single submitter. Criteria: LabCorp Variant Classification Summary - May 2015. Collection method: clinical testing. Allele origin: germline.
Comment: Variant summary: The variant involves the deletion of exon 23 in the RYR1 gene. This Copy Number Variant (CNV) is predicted to result in an in-frame deletion within this gene. A presumed nomenclature of c.(2786+1_2787-1)_(2870+1_2871-1)del has been designated for the purposes of this classification. The variant was absent in 21694 control chromosomes (gnomAD). The available data on variant occurrences in the general population are insufficient to allow any conclusion about variant significance. To our knowledge, no occurrence of c.(2786+1_2787-1)_(2870+1_2871-1)del in individuals affected with RYR1-related conditions and no experimental evidence demonstrating its impact on protein function have been reported. ClinVar contains an entry for this variant (Variation ID: 3248521). Based on the evidence outlined above, the variant was classified as uncertain significance.

NC_000019.9:g.(38954491_38955278)_(38955363_38956730)del

Gene: RYR1 (ryanodine receptor 1; plus strand). Cytogenetic location: 19q13.2.
Variant type: Deletion.
Identifiers: ClinVar variation 4687507 (VCV004687507.1).